The following is an entry in ClinVar:

NM_007055.4(POLR3A):c.835C>G (p.Leu279Val)

Gene: POLR3A (RNA polymerase III subunit A; minus strand). Cytogenetic location: 10q22.3.
Variant type: single nucleotide variant.
Coding change: c.835C>G on transcript NM_007055.4 (MANE Select); coding-DNA position 835, C replaced by G.
Protein change: p.Leu279Val; replaces leucine 279 with valine.
Molecular consequence: missense variant.
Genome position (GRCh38, 1-based): chr10:78,022,195, G>C on the plus strand (C>G on the coding strand, the complement: POLR3A is on the minus strand). VCF-style: chr10-78022195-G-C. GRCh37 (hg19) VCF-style: chr10-79781953-G-C.
Other names: c.835C>G (NM_007055.3); short protein forms L279V.
Identifiers: ClinVar variation 1465057 (VCV001465057.27), dbSNP rs969594136, ClinGen allele CA210225189.
Genomic context (GRCh38, chr10:78,022,195, plus strand): 5'-AGGCACTGACCTTTTTAATAACATCGTTTAGGAAAATGATTTCTGTCAGTTTCATTGTCA[G>C]ATCATCTTCATTGGTGCCAGACTTCAAATCACTCACAACGGAGGGTCTGATACACAAAGG-3'
Protein context (NP_008986.2, residues 269-289): DLKSGTNEDD[Leu279Val]TMKLTEIIFL

ClinVar aggregate classification (germline): Uncertain significance. Review status: criteria provided, multiple submitters, no conflicts (2 of 4 stars). 3 submissions from 3 submitters: Uncertain significance (3). Last evaluated 2025-09-26.

Conditions:
Inborn genetic diseases. Identifiers: MedGen C0950123, MeSH D030342.

Allele frequency attached by ClinVar (database versions not stated): gnomAD exomes below 0.00001 and 0.00003; TOPMed 0.00001; gnomAD 0.00003.
gnomAD v4.1: 47 of 1,614,000 alleles (0.0029%); highest among the groups gnomAD compares: Non-Finnish European, 0.0036%; no homozygotes.

Submissions (3):

Ambry Genetics
Classification: Uncertain significance for Inborn genetic diseases. Last evaluated: 2025-09-26. Review status: criteria provided, single submitter. Criteria: Ambry Variant Classification Scheme 2023. Collection method: clinical testing. Allele origin: germline.

CeGaT Center for Human Genetics Tuebingen
Classification: Uncertain significance. Last evaluated: 2024-04-01. Review status: criteria provided, single submitter. Criteria: CeGaT Center For Human Genetics Tuebingen Variant Classification Criteria Version 2. Collection method: clinical testing. Allele origin: germline. Affected: yes. Observed: 2 variant alleles.
Comment: POLR3A: PM2

Labcorp Genetics (formerly Invitae), Labcorp
Classification: Uncertain significance. Last evaluated: 2022-07-06. Review status: criteria provided, single submitter. Criteria: Invitae Variant Classification Sherloc (09022015). Collection method: clinical testing. Allele origin: germline.
Comment: This sequence change replaces leucine, which is neutral and non-polar, with valine, which is neutral and non-polar, at codon 279 of the POLR3A protein (p.Leu279Val). This variant is present in population databases (no rsID available, gnomAD 0.002%). This variant has not been reported in the literature in individuals affected with POLR3A-related conditions. ClinVar contains an entry for this variant (Variation ID: 1465057). Algorithms developed to predict the effect of missense changes on protein structure and function are either unavailable or do not agree on the potential impact of this missense change (SIFT: "Tolerated"; PolyPhen-2: "Possibly Damaging"; Align-GVGD: "Class C0"). In summary, the available evidence is currently insufficient to determine the role of this variant in disease. Therefore, it has been classified as a Variant of Uncertain Significance.